The following is an entry in ClinVar:

ClinVar aggregate classification (germline): Uncertain significance (1 of 4 stars; one submission).

Allele frequency attached by ClinVar (database versions not stated): gnomAD exomes below 0.00001.
gnomAD v4.1: 1 of 1,530,578 alleles (0.000065%); highest among the groups gnomAD compares: Non-Finnish European, 0.000088%; no homozygotes.

Submission:

GeneDx
Classification: Uncertain significance. Last evaluated: 2023-04-12. Review status: criteria provided, single submitter. Criteria: GeneDx Variant Classification Process June 2021. Collection method: clinical testing. Allele origin: germline. Affected: yes.
Comment: Has not been previously published as pathogenic or benign to our knowledge; Not observed at significant frequency in large population cohorts (gnomAD); In silico analysis supports that this missense variant does not alter protein structure/function

NM_003036.4(SKI):c.2155G>A (p.Gly719Ser)

Gene: SKI (SKI proto-oncogene; plus strand). Cytogenetic location: 1p36.32.
Variant type: single nucleotide variant.
Coding change: c.2155G>A on transcript NM_003036.4 (MANE Select); coding-DNA position 2155, G replaced by A.
Protein change: p.Gly719Ser; replaces glycine 719 with serine.
Molecular consequence: missense variant.
Genome position (GRCh38, 1-based): chr1:2,306,733, G>A. VCF-style: chr1-2306733-G-A. GRCh37 (hg19) VCF-style: chr1-2238172-G-A.
Other names: short protein forms G719S.
Identifiers: ClinVar variation 2662654 (VCV002662654.1), dbSNP rs2521524610, ClinGen allele CA337959857.